The following is an entry in ClinVar:

ClinVar aggregate classification (germline): Uncertain significance (1 of 4 stars; one submission).

Conditions:
Hereditary cancer-predisposing syndrome. Also called: Neoplastic Syndromes, Hereditary; Tumor predisposition; Hereditary neoplastic syndrome; Hereditary Cancer Syndrome. Identifiers: Orphanet 140162, MedGen C0027672, MeSH D009386, MONDO:0015356.

Submission:

Ambry Genetics
Classification: Uncertain significance for Hereditary cancer-predisposing syndrome. Last evaluated: 2023-12-29. Review status: criteria provided, single submitter. Criteria: Ambry Variant Classification Scheme 2023. Collection method: clinical testing. Allele origin: germline.
Comment: The p.N124K variant (also known as c.372C>A), located in coding exon 2 of the PTCH1 gene, results from a C to A substitution at nucleotide position 372. The asparagine at codon 124 is replaced by lysine, an amino acid with similar properties. This amino acid position is conserved. In addition, the in silico prediction for this alteration is inconclusive. Since supporting evidence is limited at this time, the clinical significance of this alteration remains unclear.

NM_000264.5(PTCH1):c.372C>A (p.Asn124Lys)

Gene: PTCH1 (patched 1; minus strand). Cytogenetic location: 9q22.32.
Variant type: single nucleotide variant.
Coding change: c.372C>A on transcript NM_000264.5 (MANE Select); coding-DNA position 372, C replaced by A.
Protein change: p.Asn124Lys; replaces asparagine 124 with lysine.
Molecular consequence: missense variant. On other transcripts: 5 prime UTR variant (4), non-coding transcript variant (1).
Genome position (GRCh38, 1-based): chr9:95,506,429, G>T on the plus strand (C>A on the coding strand, the complement: PTCH1 is on the minus strand). VCF-style: chr9-95506429-G-T. GRCh37 (hg19) VCF-style: chr9-98268711-G-T.
Other names: c.174C>A, p.Asn58Lys (NM_001083602.3, NM_001354919.2); c.369C>A, p.Asn123Lys (NM_001083603.3); c.-82C>A (NM_001083604.3, NM_001083605.3, NM_001083606.3 and 1 more transcripts); c.372C>A, p.Asn124Lys (NM_001354918.2); short protein forms N123K, N124K, N58K.
Identifiers: ClinVar variation 3231024 (VCV003231024.1), dbSNP rs763779667, ClinGen allele CA374120177.